The following is an entry in ClinVar:

NM_001283009.2(RTEL1):c.2621G>A (p.Gly874Glu)

Genes: RTEL1 (regulator of telomere elongation helicase 1; plus strand), RTEL1-TNFRSF6B (RTEL1-TNFRSF6B readthrough (NMD candidate); plus strand). Cytogenetic location: 20q13.33.
Variant type: single nucleotide variant.
Coding change: c.2621G>A on transcript NM_001283009.2 (MANE Select); coding-DNA position 2621, G replaced by A.
Protein change: p.Gly874Glu; replaces glycine 874 with glutamic acid.
Molecular consequence: missense variant. On other transcripts: non-coding transcript variant (1).
Genome position (GRCh38, 1-based): chr20:63,691,806, G>A. VCF-style: chr20-63691806-G-A. GRCh37 (hg19) VCF-style: chr20-62323159-G-A.
Other names: c.1952G>A, p.Gly651Glu (NM_001283010.1); c.2621G>A, p.Gly874Glu (NM_016434.4); c.2693G>A, p.Gly898Glu (NM_032957.5); c.2693G>A (NM_032957.4); short protein forms G651E, G874E, G898E.
Identifiers: ClinVar variation 2662230 (VCV002662230.2), dbSNP rs2517155451, ClinGen allele CA409682424.

ClinVar aggregate classification (germline): Uncertain significance. Review status: criteria provided, single submitter (1 of 4 stars). 2 submissions from 2 submitters: Uncertain significance (1). 1 of the submissions does not count toward it. Last evaluated 2023-05-16.

Conditions:
Dyskeratosis congenita. Identifiers: Orphanet 1775, MedGen C0265965, MONDO:0015780.

Submissions (2):

GeneDx
Classification: Uncertain significance. Last evaluated: 2023-05-16. Review status: criteria provided, single submitter. Criteria: GeneDx Variant Classification Process June 2021. Collection method: clinical testing. Allele origin: germline. Affected: yes.
Comment: Not observed at significant frequency in large population cohorts (gnomAD); In silico analysis supports that this missense variant has a deleterious effect on protein structure/function; Has not been previously published as pathogenic or benign to our knowledge

Natera, Inc.
Classification: Uncertain significance for Dyskeratosis congenita. Last evaluated: 2025-03-10. Review status: no assertion criteria provided. Collection method: clinical testing. Allele origin: germline. Not counted in ClinVar's aggregate classification.